The following is an entry in ClinVar:

NM_000138.5(FBN1):c.4210+1G>A

Gene: FBN1 (fibrillin 1; minus strand). Cytogenetic location: 15q21.1.
Variant type: single nucleotide variant.
Coding change: c.4210+1G>A on transcript NM_000138.5 (MANE Select); the canonical splice donor site of the intron after coding-DNA position 4210, G replaced by A.
Molecular consequence: splice donor variant.
Genome position (GRCh38, 1-based): chr15:48,474,254, C>T on the plus strand (G>A on the coding strand, the complement: FBN1 is on the minus strand). VCF-style: chr15-48474254-C-T. GRCh37 (hg19) VCF-style: chr15-48766451-C-T.
Other names: c.4210+1G>A (NM_001406716.1).
Identifiers: ClinVar variation 180359 (VCV000180359.27), dbSNP rs730880106, ClinGen allele CA014835.
Genomic context (GRCh38, chr15:48,474,254, plus strand): 5'-AATGTGGAATGCCTGGCTTCTCTGACTAGTGTTGACACAGTTGTTTCCAGCGTGAACATA[C>T]CTGTACAAGTGAAGCCATCACCTGTGTATCCTTCCTTGCACAGACAGCGGTAAGATCCCA-3'

ClinVar aggregate classification (germline): Pathogenic/Likely pathogenic. Review status: criteria provided, multiple submitters, no conflicts (2 of 4 stars). 4 submissions from 4 submitters: Pathogenic (2); Likely pathogenic (1). 1 of the submissions does not count toward it. Last evaluated 2024-02-20.

Conditions:
Marfan syndrome (MFS). Also called: Marfan syndrome, classic; FBN1-Related Marfan Syndrome; Marfan syndrome type 1; Marfan's syndrome; MARFAN SYNDROME, TYPE I. Identifiers: Orphanet 284963, Orphanet 558, MedGen C0024796, MONDO:0007947, OMIM 154700.
Familial thoracic aortic aneurysm and aortic dissection (TAAD). Also called: Thoracic aortic aneurysms and dissections. Identifiers: Orphanet 91387, MedGen C4707243, MONDO:0019625.
FBN1-related disorder. Also called: FBN1-related disorders.

Submissions (4):

Labcorp Genetics (formerly Invitae), Labcorp
Classification: Pathogenic for Marfan syndrome; Familial thoracic aortic aneurysm and aortic dissection. Last evaluated: 2024-02-20. Review status: criteria provided, single submitter. Criteria: Invitae Variant Classification Sherloc (09022015). Collection method: clinical testing. Allele origin: germline.
Comment: This sequence change affects a donor splice site in intron 34 of the FBN1 gene. It is expected to disrupt RNA splicing. Variants that disrupt the donor or acceptor splice site typically lead to a loss of protein function (PMID: 16199547), and loss-of-function variants in FBN1 are known to be pathogenic (PMID: 17657824, 19293843). This variant is not present in population databases (gnomAD no frequency). Disruption of this splice site has been observed in individuals with Marfan syndrome (PMID: 25652356, 29357934, 31098894). ClinVar contains an entry for this variant (Variation ID: 180359). Algorithms developed to predict the effect of sequence changes on RNA splicing suggest that this variant may disrupt the consensus splice site. For these reasons, this variant has been classified as Pathogenic.

PreventionGenetics, part of Exact Sciences
Classification: Pathogenic for FBN1-related condition. Last evaluated: 2022-12-30. Review status: criteria provided, single submitter. Criteria: ACMG Guidelines, 2015. Collection method: clinical testing. Allele origin: germline.
Comment: The FBN1 c.4210+1G>A variant is predicted to disrupt the GT donor site and interfere with normal splicing. This variant has previously been reported to be causative for Marfan syndrome (Baudhuin et al 2015. PubMed ID: 25652356; Becerra-Muñoz VM et al 2018. PubMed ID: 29357934; Li J et al 2019. PubMed ID: 31098894; Hernándiz A et al 2020. PubMed ID: 33174221; Chen S et al 2021. PubMed ID: 34957211). This variant has not been reported in a large population database, indicating this variant is rare. Variants that disrupt the consensus splice donor site in FBN1 are expected to be pathogenic. This variant is interpreted as pathogenic.

Centre of Medical Genetics, University of Antwerp
Classification: Likely pathogenic for Marfan syndrome. Last evaluated: 2021-03-01. Review status: criteria provided, single submitter. Criteria: Submitter's publication. Collection method: research. Allele origin: unknown. Affected: yes.
Comment: PM2, PS7, PP4

Center for Medical Genetics Ghent, University of Ghent
Classification: Pathogenic for Marfan syndrome. Last evaluated: 2017-11-07. Review status: no assertion criteria provided. Collection method: clinical testing. Allele origin: de novo. Affected: yes. Not counted in ClinVar's aggregate classification.

Literature cited by the submitters: PubMed 16199547 (cited by Labcorp Genetics (formerly Invitae), Labcorp); PubMed 17657824 (cited by Labcorp Genetics (formerly Invitae), Labcorp); PubMed 19293843 (cited by Labcorp Genetics (formerly Invitae), Labcorp); PubMed 25652356 (cited by Labcorp Genetics (formerly Invitae), Labcorp); PubMed 29357934 (cited by Labcorp Genetics (formerly Invitae), Labcorp); PubMed 31098894 (cited by Labcorp Genetics (formerly Invitae), Labcorp).